The following is an entry in ClinVar:

ClinVar aggregate classification (germline): Uncertain significance. Review status: criteria provided, multiple submitters, no conflicts (2 of 4 stars). 3 submissions from 3 submitters: Uncertain significance (3). Last evaluated 2025-12-08.

Conditions:
TALDO1-related disorder. Also called: TALDO1-related condition.

Allele frequency attached by ClinVar (database versions not stated): ESP Exome Variant Server 0.00008; TOPMed 0.00009; ExAC 0.00013; gnomAD 0.00013.
gnomAD v4.1: 191 of 1,614,070 alleles (0.012%); highest among the groups gnomAD compares: Middle Eastern, 0.016%; no homozygotes.

Submissions (3):

PreventionGenetics, part of Exact Sciences
Classification: Uncertain significance for TALDO1-related condition. Last evaluated: 2025-12-08. Review status: criteria provided, single submitter. Criteria: ACMG Guidelines, 2015. Collection method: clinical testing. Allele origin: germline.
Comment: The TALDO1 c.970C>T variant is predicted to result in the amino acid substitution p.Arg324Trp. To our knowledge, this variant has not been reported in the literature. This variant is reported in 0.021% of alleles in individuals of European (Non-Finnish) descent in gnomAD. At this time, the clinical significance of this variant is uncertain due to the absence of conclusive functional and genetic evidence.

Mayo Clinic Laboratories, Mayo Clinic
Classification: Uncertain significance. Last evaluated: 2025-03-24. Review status: criteria provided, single submitter. Criteria: ACMG Guidelines, 2015. Collection method: clinical testing. Allele origin: germline. Observed: 1 variant allele.
Comment: PM2_supporting

Labcorp Genetics (formerly Invitae), Labcorp
Classification: Uncertain significance. Last evaluated: 2022-04-29. Review status: criteria provided, single submitter. Criteria: Invitae Variant Classification Sherloc (09022015). Collection method: clinical testing. Allele origin: germline.
Comment: This sequence change replaces arginine, which is basic and polar, with tryptophan, which is neutral and slightly polar, at codon 324 of the TALDO1 protein (p.Arg324Trp). This variant is present in population databases (rs200473365, gnomAD 0.02%). This variant has not been reported in the literature in individuals affected with TALDO1-related conditions. Algorithms developed to predict the effect of missense changes on protein structure and function are either unavailable or do not agree on the potential impact of this missense change (SIFT: "Deleterious"; PolyPhen-2: "Possibly Damaging"; Align-GVGD: "Class C0"). In summary, the available evidence is currently insufficient to determine the role of this variant in disease. Therefore, it has been classified as a Variant of Uncertain Significance.

NM_006755.2(TALDO1):c.970C>T (p.Arg324Trp)

Gene: TALDO1 (transaldolase 1; plus strand). Cytogenetic location: 11p15.5.
Variant type: single nucleotide variant.
Coding change: c.970C>T on transcript NM_006755.2 (MANE Select); coding-DNA position 970, C replaced by T.
Protein change: p.Arg324Trp; replaces arginine 324 with tryptophan.
Molecular consequence: missense variant.
Genome position (GRCh38, 1-based): chr11:764,422, C>T. VCF-style: chr11-764422-C-T. GRCh37 (hg19) VCF-style: chr11-764422-C-T.
Other names: p.Arg324Trp; c.970C>T (NM_006755.1); short protein forms R324W.
Identifiers: ClinVar variation 1908758 (VCV001908758.4), dbSNP rs200473365, ClinGen allele CA5788366.